The following is an entry in ClinVar:

NM_001193313.2(SUGCT):c.301C>T (p.Arg101Ter)

Gene: SUGCT (succinyl-CoA:glutarate-CoA transferase; plus strand). Cytogenetic location: 7p14.1.
Variant type: single nucleotide variant.
Coding change: c.301C>T on transcript NM_001193313.2 (MANE Select); coding-DNA position 301, C replaced by T.
Protein change: p.Arg101Ter; replaces arginine 101 with a stop codon.
Molecular consequence: nonsense.
Genome position (GRCh38, 1-based): chr7:40,188,569, C>T. VCF-style: chr7-40188569-C-T. GRCh37 (hg19) VCF-style: chr7-40228168-C-T.
Other names: c.301C>T, p.Arg101Ter (NM_001193311.2, NM_001193312.2, NM_024728.3); short protein forms R108*, R101*.
Identifiers: ClinVar variation 1851 (VCV000001851.8), dbSNP rs137852862, ClinGen allele CA115234.

ClinVar aggregate classification (germline): Conflicting classifications of pathogenicity. Review status: criteria provided, conflicting classifications (1 of 4 stars). 6 submissions from 6 submitters: Pathogenic (1); Likely pathogenic (2); Uncertain significance (2). 1 of the submissions does not count toward it. Last evaluated 2025-10-08.

Conditions:
C7ORF10 & SUGCT-related disorders.
Glutaryl-CoA oxidase deficiency. Also called: Glutaric acidemia type 3; GLUTARIC ACIDURIA III; GA III. Identifiers: Orphanet 35706, MedGen C0342873, MONDO:0009283, OMIM 231690.

Allele frequency attached by ClinVar (database versions not stated): gnomAD 0.00019; TOPMed 0.00022; gnomAD exomes 0.00027; 1000 Genomes Project 30x 0.00031; ExAC 0.00032; 1000 Genomes Project 0.00040.
gnomAD v4.1: 356 of 1,598,356 alleles (0.022%); highest among the groups gnomAD compares: South Asian, 0.072%; no homozygotes.

Submissions (6):

Labcorp Genetics (formerly Invitae), Labcorp
Classification: Uncertain significance. Last evaluated: 2025-10-08. Review status: criteria provided, single submitter. Criteria: Invitae Variant Classification Sherloc (09022015). Collection method: clinical testing. Allele origin: germline.
Comment: This sequence change creates a premature translational stop signal (p.Arg108*) in the SUGCT gene. It is expected to result in an absent or disrupted protein product. However, the current clinical and genetic evidence is not sufficient to establish whether loss-of-function variants in SUGCT cause disease. This variant is present in population databases (rs137852862, gnomAD 0.08%). This premature translational stop signal has been observed in individual(s) with SUGCT-related conditions (PMID: 18926513, 32779420). ClinVar contains an entry for this variant (Variation ID: 1851). In summary, the available evidence is currently insufficient to determine the role of this variant in disease. Therefore, it has been classified as a Variant of Uncertain Significance.

First Genomix Gene Laboratory, Genetic Diagnostics Department
Classification: Pathogenic for Glutaryl-CoA oxidase deficiency. Last evaluated: 2025-07-10. Review status: criteria provided, single submitter. Criteria: ACMG Guidelines, 2015. Collection method: clinical testing. Allele origin: germline. Inheritance: Autosomal recessive inheritance. Affected: no. Observed: 1 variant allele.

Blueprint Genetics
Classification: Likely pathogenic for C7ORF10 & SUGCT-related disorders. Last evaluated: 2024-10-03. Review status: criteria provided, single submitter. Criteria: ACMG Guidelines, 2015. Collection method: clinical testing. Allele origin: germline. Affected: yes. Observed: 5 variant alleles.

Genomic Research Center, Shahid Beheshti University of Medical Sciences
Classification: Uncertain significance for Glutaryl-CoA oxidase deficiency. Last evaluated: 2019-04-27. Review status: criteria provided, single submitter. Criteria: ACMG Guidelines, 2015. Collection method: clinical testing. Allele origin: unknown. Affected: no.

Neuberg Centre For Genomic Medicine, NCGM
Classification: Likely pathogenic for Glutaryl-CoA oxidase deficiency. Review status: criteria provided, single submitter. Criteria: ACMG Guidelines, 2015. Collection method: clinical testing. Allele origin: germline. Inheritance: Autosomal recessive inheritance. Affected: yes.
Comment: The stop-gained variant c.301C>T p.Arg101Ter in the SUGCT gene has been reported in an individual in homozygous state affected with Glutaric Aciduria, Type 3 Niska-Blakie et al., 2020; Sherman et al., 2008. The variant has 0.02% allele frequency in gnomAD Exomes and is novel not in any individuals in 1000 Genomes. This variant has been reported to the ClinVar database as Uncertain significance/ Pathogenic. However, study on multiple affected individuals and functional studies on the pathogenicity of the variant is unavailable. This variant is predicted to cause loss of normal protein function through protein truncation. Loss of function variants has been previously reported to be disease causing. For these reasons, this variant has been classified as Likely Pathogenic.

OMIM
Classification: Pathogenic for GLUTARIC ACIDURIA III. Last evaluated: 2008-11-01. Review status: no assertion criteria provided. Collection method: literature only. Allele origin: germline. Not counted in ClinVar's aggregate classification.

Literature cited by the submitters: PubMed 18926513 (cited by Labcorp Genetics (formerly Invitae), Labcorp and OMIM); PubMed 32779420 (cited by Labcorp Genetics (formerly Invitae), Labcorp); PubMed 1909402 (cited by OMIM).